The following is an entry in ClinVar:

NM_000070.3(CAPN3):c.1354+1G>A

Gene: CAPN3 (calpain 3; plus strand). Cytogenetic location: 15q15.1.
Variant type: single nucleotide variant.
Coding change: c.1354+1G>A on transcript NM_000070.3 (MANE Select); the canonical splice donor site of the intron after coding-DNA position 1354, G replaced by A.
Molecular consequence: splice donor variant.
Genome position (GRCh38, 1-based): chr15:42,399,653, G>A. VCF-style: chr15-42399653-G-A. GRCh37 (hg19) VCF-style: chr15-42691851-G-A.
Other names: c.1354+1G>A (NM_024344.2); c.1210+1G>A (NM_173087.2).
Identifiers: ClinVar variation 2137656 (VCV002137656.6), dbSNP rs2141194090, ClinGen allele CA391999648.

ClinVar aggregate classification (germline): Pathogenic/Likely pathogenic. Review status: criteria provided, multiple submitters, no conflicts (2 of 4 stars). 2 submissions from 2 submitters: Pathogenic (1); Likely pathogenic (1). Last evaluated 2023-05-16.

Conditions:
Autosomal recessive limb-girdle muscular dystrophy type 2A (LGMDR1). Also called: Muscular dystrophy, limb-girdle, type 2A, Amish; LEYDEN-MOEBIUS MUSCULAR DYSTROPHY; MUSCULAR DYSTROPHY, PELVOFEMORAL; Limb-girdle muscular dystrophy, type 2A; Calpainopathy. Identifiers: Orphanet 267, MedGen C1869123, MONDO:0009675, OMIM 253600. Disease mechanism: loss of function.
Muscular dystrophy, limb-girdle, autosomal dominant 4. Also called: Calpain-3-related limb-girdle muscular dystrophy D4; MUSCULAR DYSTROPHY, LIMB-GIRDLE, TYPE 1I. Identifiers: Orphanet 565909, MedGen C4748295, MONDO:0029133, OMIM 618129.

Submissions (2):

Labcorp Genetics (formerly Invitae), Labcorp
Classification: Likely pathogenic for Autosomal recessive limb-girdle muscular dystrophy type 2A. Last evaluated: 2023-05-16. Review status: criteria provided, single submitter. Criteria: Invitae Variant Classification Sherloc (09022015). Collection method: clinical testing. Allele origin: germline.
Comment: This variant is not present in population databases (gnomAD no frequency). In summary, the currently available evidence indicates that the variant is pathogenic, but additional data are needed to prove that conclusively. Therefore, this variant has been classified as Likely Pathogenic. Algorithms developed to predict the effect of sequence changes on RNA splicing suggest that this variant may disrupt the consensus splice site. ClinVar contains an entry for this variant (Variation ID: 2137656). Disruption of this splice site has been observed in individual(s) with clinical features of autosomal recessive limb-girdle muscular dystrophy (PMID: 26060040). This sequence change affects a donor splice site in intron 10 of the CAPN3 gene. It is expected to disrupt RNA splicing. Variants that disrupt the donor or acceptor splice site typically lead to a loss of protein function (PMID: 16199547), and loss-of-function variants in CAPN3 are known to be pathogenic (PMID: 10330340, 15689361).

Baylor Genetics
Classification: Pathogenic for Muscular dystrophy, limb-girdle, autosomal dominant 4. Last evaluated: 2023-04-02. Review status: criteria provided, single submitter. Criteria: ACMG Guidelines, 2015. Collection method: clinical testing. Allele origin: unknown.

Literature cited by the submitters: PubMed 26060040 (cited by Labcorp Genetics (formerly Invitae), Labcorp); PubMed 16199547 (cited by Labcorp Genetics (formerly Invitae), Labcorp); PubMed 10330340 (cited by Labcorp Genetics (formerly Invitae), Labcorp); PubMed 15689361 (cited by Labcorp Genetics (formerly Invitae), Labcorp).